The following is an entry in ClinVar:

ClinVar aggregate classification (germline): Conflicting classifications of pathogenicity. Review status: criteria provided, conflicting classifications (1 of 4 stars). 2 submissions from 2 submitters: Likely pathogenic (1); Uncertain significance (1). Last evaluated 2024-12-17.

Conditions:
Macular dystrophy with or without extraocular features.
Hereditary spastic paraplegia 48. Also called: SPASTIC PARAPLEGIA 48, AUTOSOMAL RECESSIVE; Spastic paraplegia 48. Identifiers: Orphanet 306511, MedGen C3150901, MONDO:0013342, OMIM 613647.

Submissions (2):

Ophthalmic Genetics Group, Institute of Molecular and Clinical Ophthalmology Basel
Classification: Likely pathogenic for Macular dystrophy with or without extraocular features. Last evaluated: 2024-12-17. Review status: criteria provided, single submitter. Criteria: ACMG Guidelines, 2015. Collection method: research. Allele origin: germline. Affected: yes. Observed: 1 variant allele.
Comment: This frameshift insertion results in a truncated AP5Z1 protein (removing >10% of the transcript), for which loss-of-function is a known mechanism of disease. This variant is not present in gnomAD v2.1.1, and was previously reported in ClinVar as a VUS. This variant was classified as Likely pathogenic based on ACMG criteria: PVS1_strong, PM2_mod.

Labcorp Genetics (formerly Invitae), Labcorp
Classification: Uncertain significance for Hereditary spastic paraplegia 48. Last evaluated: 2019-12-11. Review status: criteria provided, single submitter. Criteria: Invitae Variant Classification Sherloc (09022015). Collection method: clinical testing. Allele origin: germline.
Comment: This variant has not been reported in the literature in individuals with AP5Z1-related conditions. This sequence change results in a premature translational stop signal in the AP5Z1 gene (p.Gln696Profs*67). While this is not anticipated to result in nonsense mediated decay, it is expected to disrupt the last 112 amino acids of the AP5Z1 protein. This variant is present in population databases (rs771683676, ExAC 0.03%). Experimental studies and prediction algorithms are not available or were not evaluated, and the functional significance of this variant is currently unknown. In summary, the available evidence is currently insufficient to determine the role of this variant in disease. Therefore, it has been classified as a Variant of Uncertain Significance.

Literature cited by the submitters: PubMed 40081374 (cited by Ophthalmic Genetics Group, Institute of Molecular and Clinical Ophthalmology Basel).

NM_014855.3(AP5Z1):c.2086dup (p.Gln696fs)

Gene: AP5Z1 (adaptor related protein complex 5 subunit zeta 1; plus strand). Cytogenetic location: 7p22.1.
Variant type: Duplication.
Coding change: c.2086dup on transcript NM_014855.3 (MANE Select); coding-DNA position 2086, one base duplicated (C; older notation c.2086dupC).
Protein change: p.Gln696fs; shifts the reading frame from glutamine 696.
Molecular consequence: frameshift variant. On other transcripts: non-coding transcript variant (1).
Genome position (GRCh38, 1-based): chr7:4,790,820, C duplicated; the last of 7 consecutive C bases (chr7:4,790,814-4,790,820); duplicating any one gives the same sequence. VCF-style (leftmost placement, unchanged base first): chr7-4790813-T-TC. GRCh37 (hg19) VCF-style: chr7-4830444-T-TC.
Other names: NC_000007.13:g.4830451dup; NP_055670.1:p.(Gln696ProfsTer67); c.1618dup, p.Gln540fs (NM_001364858.1); short protein forms Q540fs, Q696fs.
Identifiers: ClinVar variation 848342 (VCV000848342.10), dbSNP rs771683676, ClinGen allele CA4138287.